The following is an entry in ClinVar:

ClinVar aggregate classification (germline): Likely benign. Review status: criteria provided, multiple submitters, no conflicts (2 of 4 stars). 3 submissions from 3 submitters: Likely benign (3). Last evaluated 2025-12-21.

Conditions:
UNC45A-related disorder. Also called: UNC45A-related condition.

Allele frequency attached by ClinVar (database versions not stated): gnomAD 0.00004 and 0.00017; ESP Exome Variant Server 0.00008; gnomAD exomes 0.00039; ExAC 0.00044; 1000 Genomes Project 0.00080; 1000 Genomes Project 30x 0.00094.

Submissions (3):

PreventionGenetics, part of Exact Sciences
Classification: Likely benign for UNC45A-related condition. Last evaluated: 2025-12-21. Review status: criteria provided, single submitter. Criteria: ACMG Guidelines, 2015. Collection method: clinical testing. Allele origin: germline.
Comment: This variant is classified as likely benign based on ACMG/AMP sequence variant interpretation guidelines (Richards et al. 2015 PMID: 25741868, with internal and published modifications).

Labcorp Genetics (formerly Invitae), Labcorp
Classification: Likely benign. Last evaluated: 2025-12-17. Review status: criteria provided, single submitter. Criteria: Invitae Variant Classification Sherloc (09022015). Collection method: clinical testing. Allele origin: germline.

CeGaT Center for Human Genetics Tuebingen
Classification: Likely benign. Last evaluated: 2025-10-01. Review status: criteria provided, single submitter. Criteria: CeGaT Center For Human Genetics Tuebingen Variant Classification Criteria Version 2. Collection method: clinical testing. Allele origin: germline. Affected: yes. Observed: 1 variant allele.
Comment: UNC45A: BS2

NM_018671.5(UNC45A):c.1897C>T (p.Arg633Trp)

Gene: UNC45A (unc-45 myosin chaperone A; plus strand). Cytogenetic location: 15q26.1.
Variant type: single nucleotide variant.
Coding change: c.1897C>T on transcript NM_018671.5 (MANE Select); coding-DNA position 1897, C replaced by T.
Protein change: p.Arg633Trp; replaces arginine 633 with tryptophan.
Molecular consequence: missense variant.
Genome position (GRCh38, 1-based): chr15:90,949,334, C>T. VCF-style: chr15-90949334-C-T. GRCh37 (hg19) VCF-style: chr15-91492564-C-T.
Other names: c.1852C>T, p.Arg618Trp (NM_001039675.2, NM_001323621.2); c.1897C>T, p.Arg633Trp (NM_001323619.1); c.1462C>T, p.Arg488Trp (NM_001323620.2); short protein forms R488W, R633W, R618W.
Identifiers: ClinVar variation 1452127 (VCV001452127.15), dbSNP rs374670572, ClinGen allele CA7743114.